The following is an entry in ClinVar:

NM_001283009.2(RTEL1):c.2051G>A (p.Arg684Gln)

Genes: RTEL1 (regulator of telomere elongation helicase 1; plus strand), RTEL1-TNFRSF6B (RTEL1-TNFRSF6B readthrough (NMD candidate); plus strand). Cytogenetic location: 20q13.33.
Variant type: single nucleotide variant.
Coding change: c.2051G>A on transcript NM_001283009.2 (MANE Select); coding-DNA position 2051, G replaced by A.
Protein change: p.Arg684Gln; replaces arginine 684 with glutamine.
Molecular consequence: missense variant. On other transcripts: non-coding transcript variant (1).
Genome position (GRCh38, 1-based): chr20:63,689,775, G>A. VCF-style: chr20-63689775-G-A. GRCh37 (hg19) VCF-style: chr20-62321128-G-A.
Other names: p.Arg708Gln; c.1382G>A, p.Arg461Gln (NM_001283010.1); c.2051G>A, p.Arg684Gln (NM_016434.4); c.2123G>A, p.Arg708Gln (NM_032957.5); short protein forms R684Q, R708Q, R461Q.
Identifiers: ClinVar variation 473912 (VCV000473912.46), dbSNP rs35640778, ClinGen allele CA9965153.

ClinVar aggregate classification (germline): Benign/Likely benign. Review status: criteria provided, multiple submitters, no conflicts (2 of 4 stars). 11 submissions from 11 submitters: Benign (5); Likely benign (3). 3 of the submissions do not count toward it. Last evaluated 2026-09-01.

Conditions:
Dyskeratosis congenita, autosomal recessive 5 (DKCB5). Identifiers: MedGen C3554656, MONDO:0014076, OMIM 615190.
Pulmonary fibrosis and/or bone marrow failure, Telomere-related, 3. Also called: PULMONARY FIBROSIS AND/OR BONE MARROW FAILURE SYNDROME, TELOMERE-RELATED, 3. Identifiers: Orphanet 2032, MedGen C4225346, MONDO:0014613, OMIM 616373.
Dyskeratosis congenita. Identifiers: Orphanet 1775, MedGen C0265965, MONDO:0015780.

Allele frequency attached by ClinVar (database versions not stated): 1000 Genomes Project 0.00479; 1000 Genomes Project 30x 0.00484; TOPMed 0.01072; gnomAD 0.01180 and 0.01190; gnomAD exomes 0.01232 and 0.01791; ESP Exome Variant Server 0.01279; ExAC 0.01324.
gnomAD v4.1: 27,793 of 1,612,098 alleles (1.7%); highest among the groups gnomAD compares: Non-Finnish European, 2%; 301 homozygotes.

Submissions (11):

CeGaT Center for Human Genetics Tuebingen
Classification: Benign. Last evaluated: 2026-09-01. Review status: criteria provided, single submitter. Criteria: CeGaT Center For Human Genetics Tuebingen Variant Classification Criteria Version 2. Collection method: clinical testing. Allele origin: germline. Affected: yes. Observed: 20 variant alleles.
Comment: RTEL1: BP4, BS1, BS2

Labcorp Genetics (formerly Invitae), Labcorp
Classification: Benign for Dyskeratosis congenita, autosomal recessive 5; Pulmonary fibrosis and/or bone marrow failure, Telomere-related, 3. Last evaluated: 2026-02-02. Review status: criteria provided, single submitter. Criteria: Invitae Variant Classification Sherloc (09022015). Collection method: clinical testing. Allele origin: germline.

ARUP Laboratories, Molecular Genetics and Genomics, ARUP Laboratories
Classification: Benign. Last evaluated: 2025-07-21. Review status: criteria provided, single submitter. Criteria: ARUP Molecular Germline Variant Investigation Process 2024. Collection method: clinical testing. Allele origin: germline.

Blueprint Genetics
Classification: Likely benign. Last evaluated: 2024-11-28. Review status: criteria provided, single submitter. Criteria: ACMG Guidelines, 2015. Collection method: clinical testing. Allele origin: germline.

Mayo Clinic Laboratories, Mayo Clinic
Classification: Benign. Last evaluated: 2024-10-09. Review status: criteria provided, single submitter. Criteria: ACMG Guidelines, 2015. Collection method: clinical testing. Allele origin: germline. Observed: 39 variant alleles.
Comment: BS1, BS2, BP4

Department of Pathology and Laboratory Medicine, Sinai Health System
Classification: Benign for Dyskeratosis congenita, autosomal recessive 5; Pulmonary fibrosis and/or bone marrow failure, Telomere-related, 3. Last evaluated: 2023-01-18. Review status: criteria provided, single submitter. Criteria: ACMG Guidelines, 2015. Collection method: research. Allele origin: germline.

GeneDx
Classification: Likely benign. Last evaluated: 2021-03-30. Review status: criteria provided, single submitter. Criteria: GeneDx Variant Classification Process June 2021. Collection method: clinical testing. Allele origin: germline. Affected: yes.

Breakthrough Genomics
Classification: Likely benign. Review status: criteria provided, single submitter. Criteria: ACMG Guidelines, 2015. Collection method: not provided. Allele origin: germline. Inheritance: Autosomal recessive inheritance. Affected: yes.

Natera, Inc.
Classification: Benign for Dyskeratosis congenita. Last evaluated: 2020-09-16. Review status: no assertion criteria provided. Collection method: clinical testing. Allele origin: germline. Not counted in ClinVar's aggregate classification.

Joint Genome Diagnostic Labs from Nijmegen and Maastricht, Radboudumc and MUMC+
Classification: Benign. Review status: no assertion criteria provided. Collection method: clinical testing. Allele origin: germline. Affected: yes. Study: VKGL Data-share Consensus. Not counted in ClinVar's aggregate classification.

Laboratory of Diagnostic Genome Analysis, Leiden University Medical Center (LUMC)
Classification: Benign. Review status: no assertion criteria provided. Collection method: clinical testing. Allele origin: germline. Affected: yes. Study: VKGL Data-share Consensus. Not counted in ClinVar's aggregate classification.

Literature cited by the submitters: PubMed 35562849 (cited by Mayo Clinic Laboratories, Mayo Clinic).